The following continues an entry in ClinVar:

NM_004820.5(CYP7B1):c.1456C>T (p.Arg486Cys)

Gene: CYP7B1. ClinVar aggregate classification (germline): Pathogenic/Likely pathogenic. Pathogenic (18); Likely pathogenic (5).

Submissions 13 to 27 of 27:

Mayo Clinic Laboratories, Mayo Clinic
Classification: Pathogenic. Last evaluated: 2022-05-17. Review status: criteria provided, single submitter. Criteria: ACMG Guidelines, 2015. Collection method: clinical testing. Allele origin: germline. Observed: 5 variant alleles.
Comment: PP1, PP4, PM2_moderate, PM3, PS4

Athena Diagnostics
Classification: Pathogenic. Last evaluated: 2022-03-18. Review status: criteria provided, single submitter. Criteria: Athena Diagnostics Criteria. Collection method: clinical testing. Allele origin: unknown.
Comment: The frequency of this variant in the general population is consistent with pathogenicity. In multiple individuals with spastic paraplegia, this variant has been seen with a single recessive pathogenic variant in the same gene. Computational tools predict that this variant is damaging.

MGZ Medical Genetics Center
Classification: Likely pathogenic for Hereditary spastic paraplegia 5A. Last evaluated: 2022-02-04. Review status: criteria provided, single submitter. Criteria: ACMG Guidelines, 2015. Collection method: clinical testing. Allele origin: germline. Affected: yes. Observed: 2 variant alleles.
Comment: ACMG criteria applied: PS4, PM3, PM2_SUP, PP3

Molecular Genetics, Royal Melbourne Hospital
Classification: Pathogenic for Hereditary spastic paraplegia 5A. Last evaluated: 2021-09-03. Review status: criteria provided, single submitter. Criteria: ACMG Guidelines, 2015. Collection method: clinical testing. Allele origin: germline. Affected: yes.
Comment: This sequence change in CYP7B1 is predicted to replace arginine with cysteine at codon 486 (p.(Arg486Cys)). The arginine residue is highly conserved (100 vertebrates, UCSC), and is located in the cytochrome P450 domain. There is a large physicochemical difference between arginine and cysteine. The highest population minor allele frequency in gnomAD v2.1 is 0.1% (126/128,798 alleles, 0 homozygotes) in European (non-Finnish) population. The variant has been reported to segregate with spastic paraplegia in two affected family members from one family (PMID: 22384504 ). This variant has been detected in at least 16 individuals with pure or complicated hereditary spastic paraplegia (HSP). Of those individuals, five individuals were homozygous and eight were compound heterozygous for the variant and a pathogenic or likely pathogenic variant (PMID: 1943942, 21623769, 22384504, 23812641, 24117163, 27217339, 29228183). At least one patient with this variant displayed increased plasma 25-hydroxycholesterol (25-OHC) and 27-hydroxycholesterol (27-OHC) ratio to total cholesterol, which is highly specific for CYP7B1-related HSP (PMID: 29228183). Multiple lines of computational evidence predict a deleterious effect for the missense substitution (5/6 algorithms). Based on the classification scheme RMH Modified ACMG Guidelines v1.4.0, this variant is classified as PATHOGENIC. Following criteria are met: PM3_VeryStrong, PP1, PP3, PP4.

Institute of Medical Genetics and Applied Genomics, University Hospital Tübingen
Classification: Pathogenic. Last evaluated: 2020-10-23. Review status: criteria provided, single submitter. Criteria: ACMG Guidelines, 2015. Collection method: clinical testing. Allele origin: germline. Inheritance: Unknown mechanism. Affected: yes.

Illumina Laboratory Services, Illumina
Classification: Pathogenic for Hereditary spastic paraplegia 5A. Last evaluated: 2018-05-18. Review status: criteria provided, single submitter. Criteria: ICSL Variant Classification Criteria 09 May 2019. Collection method: clinical testing. Allele origin: germline.
Comment: The CYP7B1 c.1456C>T (p.Arg486Cys) missense variant has been reported in at least six studies in individuals with an autosomal recessive form of spastic paraplegia, in which it was found in a homozygous state in three individuals and in a compound heterozygous state in nine individuals, including two siblings (Goizet et al. 2009; Schlipf et al. 2011; Noreau et al. 2012; Kumar et al. 2013; Roos et al. 2014; Kara et al. 2016). In at least seven of the compound heterozygotes the second variant was a frameshift or stop-gained variant. The p.Arg486Cys variant was absent from 494 control alleles and is reported at a frequency of 0.00298 in the European population of the 1000 Genomes Project. Based on the evidence, the p.Arg486Cys variant is classified as pathogenic for an autosomal recessive form of spastic paraplegia. This variant was observed by ICSL as part of a predisposition screen in an ostensibly healthy population.

Eurofins Ntd Llc (ga)
Classification: Likely pathogenic. Last evaluated: 2018-04-20. Review status: criteria provided, single submitter. Criteria: EGL ClinVar v180209 classification definitions. Collection method: clinical testing. Allele origin: germline. Observed: 5 variant alleles, 5 heterozygotes.

Unit for Genetic & Epidemiological Research on Neurological Disorders, Instituto de Investigação e Inovação em Saúde
Classification: Pathogenic for Hereditary spastic paraplegia. Last evaluated: 2017-03-07. Review status: criteria provided, single submitter. Criteria: Morais et al. (Eur J Hum Genet. 2017). Collection method: research. Allele origin: inherited. Affected: yes.

Genome Diagnostics Laboratory, The Hospital for Sick Children
Classification: Pathogenic for Hereditary spastic paraplegia. Last evaluated: 2016-12-12. Review status: criteria provided, single submitter. Criteria: ACMG Guidelines, 2015. Collection method: clinical testing. Allele origin: germline. Affected: yes.

Genomics England Pilot Project, Genomics England
Classification: Likely pathogenic for Hereditary spastic paraplegia 5A. Review status: criteria provided, single submitter. Criteria: ACGS Guidelines, 2016. Collection method: clinical testing. Allele origin: germline. Affected: yes.

Paris Brain Institute, Inserm - ICM
Classification: Pathogenic for Hereditary spastic paraplegia 5A. Review status: criteria provided, single submitter. Criteria: ACMG Guidelines, 2015. Collection method: clinical testing. Allele origin: unknown. Affected: yes. Observed: 6 variant alleles.

PreventionGenetics, part of Exact Sciences
Classification: Pathogenic for CYP7B1-related condition. Last evaluated: 2024-09-16. Review status: no assertion criteria provided. Collection method: clinical testing. Allele origin: germline. Not counted in ClinVar's aggregate classification.
Comment: The CYP7B1 c.1456C>T variant is predicted to result in the amino acid substitution p.Arg486Cys. This variant has been reported in either the homozygous state or compound heterozygous state in many patients with spastic paraplegia (Goizet et al. 2009. PubMed ID: 19439420; Schlipf et al. 2011. PubMed ID: 21623769; Roos et al. 2014. PubMed ID: 24117163; Kumar et al. 2013. PubMed ID: 23812641). This variant is reported in 0.098% of alleles in individuals of European (Non-Finnish) descent in gnomAD and is reported as pathogenic or likely pathogenic in ClinVar by many outside laboratories. This variant is interpreted as pathogenic.

OMIM
Classification: Pathogenic for SPASTIC PARAPLEGIA 5A, AUTOSOMAL RECESSIVE. Last evaluated: 2009-06-01. Review status: no assertion criteria provided. Collection method: literature only. Allele origin: germline. Not counted in ClinVar's aggregate classification.

Diagnostic Laboratory, Department of Genetics, University Medical Center Groningen
Classification: Likely pathogenic. Review status: no assertion criteria provided. Collection method: clinical testing. Allele origin: germline. Affected: yes. Study: VKGL Data-share Consensus. Not counted in ClinVar's aggregate classification.

Joint Genome Diagnostic Labs from Nijmegen and Maastricht, Radboudumc and MUMC+
Classification: Likely pathogenic. Review status: no assertion criteria provided. Collection method: clinical testing. Allele origin: germline. Affected: yes. Study: VKGL Data-share Consensus. Not counted in ClinVar's aggregate classification.

Literature cited by the submitters: PubMed 19439420 (cited by 8 submitters); PubMed 21623769 (cited by 8 submitters); PubMed 23812641 (cited by 8 submitters); PubMed 24117163 (cited by 8 submitters); PubMed 22384504 (cited by 6 submitters); PubMed 29228183 (cited by 4 submitters); PubMed 21541746 (cited by 3 submitters); PubMed 27077743 (cited by Mayo Clinic Laboratories, Mayo Clinic and Eurofins Ntd Llc (ga)); PubMed 27217339 (cited by 5 submitters); PubMed 27879216 (cited by 3 submitters); PubMed 27957547 (cited by 3 submitters); PubMed 28832565 (cited by Mayo Clinic Laboratories, Mayo Clinic and Athena Diagnostics); PubMed 24927729 (cited by Athena Diagnostics); PubMed 1943942 (cited by Molecular Genetics, Royal Melbourne Hospital).